The following is an entry in ClinVar:

ClinVar aggregate classification (germline): Likely pathogenic (1 of 4 stars; one submission).

Conditions:
Retinitis pigmentosa 26 (RP26). Identifiers: Orphanet 791, MedGen C1842127, MONDO:0012024, OMIM 608380.

gnomAD v4.1: 2 of 1,613,086 alleles (0.00012%); highest among the groups gnomAD compares: Non-Finnish European, 0.00017%; no homozygotes.

Submission:

Natera, Inc.
Classification: Likely pathogenic for Retinitis Pigmentosa 26. Last evaluated: 2024-09-11. Review status: criteria provided, single submitter. Criteria: Natera Variant Classification Schema (03/2026). Collection method: clinical testing. Allele origin: germline.
Comment: The c.481+1G>A variant in CERKL is a canonical splice donor site variant predicted to affect pre-mRNA splicing, which may result in an abnormal transcript and altered protein product. This variant is expected to result in nonsense mediated decay, truncation, or a dysfunctional protein product. This variant is rare in the general population with a frequency below the threshold expected for the associated phenotype(s). This variant has been observed in one or more individuals affected with the associated recessive disease, as either homozygous or compound heterozygous with a second variant (PMID: 33921607). Given the available evidence, this variant is classified as Likely Pathogenic.

Literature cited by the submitters: PubMed 33921607.

NM_201548.5(CERKL):c.481+1G>A

Gene: CERKL (CERK like autophagy regulator; minus strand). Cytogenetic location: 2q31.3.
Variant type: single nucleotide variant.
Coding change: c.481+1G>A on transcript NM_201548.5 (MANE Select); the canonical splice donor site of the intron after coding-DNA position 481, G replaced by A.
Molecular consequence: splice donor variant.
Genome position (GRCh38, 1-based): chr2:181,603,836, C>T on the plus strand (G>A on the coding strand, the complement: CERKL is on the minus strand). VCF-style: chr2-181603836-C-T. GRCh37 (hg19) VCF-style: chr2-182468563-C-T.
Other names: c.481+1G>A (NM_001030312.3, NM_001160277.2, NM_001030313.3 and 1 more transcripts).
Identifiers: ClinVar variation 4814541 (VCV004814541.1).